The following is an entry in ClinVar:

NM_000104.4(CYP1B1):c.181G>A (p.Gly61Arg)

Gene: CYP1B1 (cytochrome P450 family 1 subfamily B member 1; minus strand). Cytogenetic location: 2p22.2.
Variant type: single nucleotide variant.
Coding change: c.181G>A on transcript NM_000104.4 (MANE Select); coding-DNA position 181, G replaced by A.
Protein change: p.Gly61Arg; replaces glycine 61 with arginine.
Molecular consequence: missense variant.
Genome position (GRCh38, 1-based): chr2:38,075,208, C>T on the plus strand (G>A on the coding strand, the complement: CYP1B1 is on the minus strand). VCF-style: chr2-38075208-C-T. GRCh37 (hg19) VCF-style: chr2-38302351-C-T.
Other names: NM_000104.4(CYP1B1):c.181G>A; p.Gly61Arg; short protein forms G61R.
Identifiers: ClinVar variation 1030597 (VCV001030597.3), dbSNP rs1682512619, ClinGen allele CA346329757.

ClinVar aggregate classification (germline): Likely pathogenic. Review status: reviewed by expert panel (3 of 4 stars). 3 submissions from 3 submitters: Likely pathogenic (1). 2 of the submissions do not count toward it. Last evaluated 2026-10-12.

Conditions:
Glaucoma 3A. Also called: Glaucoma 3, primary congenital, A. Identifiers: Orphanet 98976, Orphanet 98977, MedGen C1856439, MONDO:0009277, OMIM 231300.
CYP1B1-related glaucoma with or without anterior segment dysgenesis. Identifiers: MedGen CN375931, MONDO:0800472.
Anterior segment dysgenesis 6 (ASGD6). Also called: Anterior segment dysgenesis 6, multiple subtypes. Identifiers: MedGen C4310623, MONDO:0015016, OMIM 617315.

Allele frequency attached by ClinVar (database versions not stated): gnomAD exomes below 0.00001.

Submissions (3):

ClinGen Glaucoma Variant Curation Expert Panel
Classification: Likely pathogenic for CYP1B1-related glaucoma with or without anterior segment dysgenesis. Last evaluated: 2026-10-12. Review status: reviewed by expert panel. Criteria: ClinGen Glaucoma ACMG Specifications CYP1B1 V2.0. Collection method: curation. Allele origin: germline. Inheritance: Autosomal recessive inheritance.
Comment: The c.181G>A variant in CYP1B1 is a missense variant predicted to cause substitution of Glycine by Arginine at amino acid 61 (p.Gly61Arg). This missense variant is located in the hinge region, meeting PM1. The highest minor allele frequency of this variant was in the European (non-Finnish) genetic ancestry group of gnomAD (v4.1) = 0.0000008551 (1 allele out of 1,169,470), which met the ≤ 0.0005 threshold set for PM2_Supporting in a genetic ancestry group of at least 2,000 alleles. The REVEL score = 0.839, which was within the 0.773-0.931 range for PP3_Moderate, predicting a damaging effect on CYP1B1 function. There was no functional evidence predicting a damaging or benign impact of this variant on CYP1B1 function. This variant has been identified in an individual with a CYP1B1-related phenotype. Total proband points = 0.5, meeting PM3_Supporting. Another missense variant (c.182G>A, p.Gly61Glu, Grantham score = 98, ClinVar ID: 7730) in the same codon has been classified as pathogenic (independent of PM5) for a CYP1B1-related phenotype by the ClinGen Glaucoma VCEP. CYP1B1:p.Gly61Arg has a higher Grantham score (= 125) than the previously classified amino acid change, was not predicted to affect splicing as assessed with SpliceAI (≤ 0.2), and met PP3, meeting the conditions for PM5 to apply. In summary, this variant met the criteria to receive a score of 7 and to be classified as likely pathogenic (likely pathogenic classification range 6 to 9, adapted from PMID: 32720330) for CYP1B1-related glaucoma with or without anterior segment dysgenesis (ASD) based on the ACMG/AMP criteria met, as specified by the ClinGen Glaucoma VCEP (v2.0, 16.07.2026): PM1, PM5, PP3_Moderate, PM2_Supporting, PM3_Supporting (PP3, PM1 and PM5 are capped at 5 points).

Genomic Medicine Center of Excellence, King Faisal Specialist Hospital and Research Centre
Classification: Uncertain significance for Glaucoma 3A. Last evaluated: 2024-03-29. Review status: criteria provided, single submitter. Criteria: ACMG Guidelines, 2015. Collection method: clinical testing. Allele origin: germline. Not counted in ClinVar's aggregate classification.

Baylor Genetics
Classification: Pathogenic for Anterior segment dysgenesis 6. Last evaluated: 2020-06-08. Review status: criteria provided, single submitter. Criteria: ACMG Guidelines, 2015. Collection method: clinical testing. Allele origin: unknown. Affected: yes. Not counted in ClinVar's aggregate classification.
Comment: This variant was determined to be pathogenic according to ACMG Guidelines, 2015 [PMID:25741868].